The following is an entry in ClinVar:

ClinVar aggregate classification (germline): Pathogenic. Review status: criteria provided, single submitter (1 of 4 stars). 2 submissions from 2 submitters: Pathogenic (1). 1 of the submissions does not count toward it. Last evaluated 2023-10-11.

Conditions:
Neurodevelopmental disorder with hypotonia, neonatal respiratory insufficiency, and thermodysregulation. Identifiers: MedGen C5394091, MONDO:0032921, OMIM 618797.

Submissions (3):

GeneDx
Classification: Pathogenic. Last evaluated: 2023-10-11. Review status: criteria provided, single submitter. Criteria: GeneDx Variant Classification Process June 2021. Collection method: clinical testing. Allele origin: germline. Affected: yes.
Comment: Nonsense variant predicted to result in protein truncation or nonsense mediated decay in a gene for which loss of function is a known mechanism of disease; Not observed at significant frequency in large population cohorts (gnomAD); This variant is associated with the following publications: (PMID: 32004447, 33619735)

OMIM
Classification: Pathogenic for NEURODEVELOPMENTAL DISORDER WITH HYPOTONIA, NEONATAL RESPIRATORY INSUFFICIENCY, AND THERMODYSREGULATION. Last evaluated: 2020-04-02. Review status: no assertion criteria provided. Collection method: literature only. Allele origin: germline. Not counted in ClinVar's aggregate classification.

Institute of Human Genetics Munich, TUM University Hospital
No classification provided (evidence only). Condition: Generalized hypotonia; Feeding difficulties; Infantile spasms; Respiratory distress. Last evaluated: 2019-09-24. Review status: no classification provided. Criteria: Classification criteria August 2017. Collection method: in vitro. Allele origin: not applicable. Inheritance: Autosomal recessive inheritance. Functional consequence: Decreased function. Not counted in ClinVar's aggregate classification.
Comment: "Pathogenic" was previously submitted as the classification for the variant. However, the classification appeared to be based only on an observation of functional data so it was converted to no classification on 2025-07-30.

Literature cited by the submitters: PubMed 32004447 (cited by OMIM).

NM_001346249.2(RALGAPA1):c.1126C>T (p.Arg376Ter)

Gene: RALGAPA1 (Ral GTPase activating protein catalytic subunit alpha 1; minus strand). Cytogenetic location: 14q13.2.
Variant type: single nucleotide variant.
Coding change: c.1126C>T on transcript NM_001346249.2 (MANE Select); coding-DNA position 1126, C replaced by T.
Protein change: p.Arg376Ter; replaces arginine 376 with a stop codon.
Molecular consequence: nonsense.
Genome position (GRCh38, 1-based): chr14:35,748,710, G>A on the plus strand (C>T on the coding strand, the complement: RALGAPA1 is on the minus strand). VCF-style: chr14-35748710-G-A. GRCh37 (hg19) VCF-style: chr14-36217916-G-A.
Other names: c.1126C>T, p.Arg376Ter (NM_001283043.3, NM_001283044.3, NM_001330075.3 and 7 more transcripts); c.1126C>T (NM_014990.1); short protein forms R376*.
Identifiers: ClinVar variation 691794 (VCV000691794.8), dbSNP rs1595416752, ClinGen allele CA389501478.
Genomic context (GRCh38, chr14:35,748,710, plus strand): 5'-TTTCAATGTCTGTGAGATGTTCTTCATCAATACTACAGAGACTAGATGAGCTAGGTTCTC[G>A]CTCCGTGAGAGTGCTTGTATTGGAATGAGACTGTTCGGGTTCTGTAGTTCTGTCTGTTTT-3'